The following is an entry in ClinVar:

ClinVar aggregate classification (germline): Pathogenic. Review status: criteria provided, single submitter (1 of 4 stars). 2 submissions from 2 submitters: Pathogenic (1). 1 of the submissions does not count toward it. Last evaluated 2023-11-13.

Conditions:
Cohen syndrome (COH1). Also called: Cutis verticis gyrata, retinitis pigmentosa, and sensorineural deafness; PEPPER SYNDROME. Identifiers: Orphanet 193, MedGen C0265223, MONDO:0008999, OMIM 216550.

Submissions (2):

Labcorp Genetics (formerly Invitae), Labcorp
Classification: Pathogenic for Cohen syndrome. Last evaluated: 2023-11-13. Review status: criteria provided, single submitter. Criteria: Invitae Variant Classification Sherloc (09022015). Collection method: clinical testing. Allele origin: germline.
Comment: This sequence change creates a premature translational stop signal (p.Ile3028Metfs*15) in the VPS13B gene. It is expected to result in an absent or disrupted protein product. Loss-of-function variants in VPS13B are known to be pathogenic (PMID: 15141358, 16648375, 20461111). This variant is present in population databases (no rsID available, gnomAD 0.003%). This variant has not been reported in the literature in individuals affected with VPS13B-related conditions. ClinVar contains an entry for this variant (Variation ID: 370501). For these reasons, this variant has been classified as Pathogenic.

Counsyl
Classification: Likely pathogenic for Cohen syndrome. Last evaluated: 2016-02-23. Review status: no assertion criteria provided. Collection method: clinical testing. Allele origin: unknown. Not counted in ClinVar's aggregate classification.

Literature cited by the submitters: PubMed 15141358 (cited by Labcorp Genetics (formerly Invitae), Labcorp); PubMed 16648375 (cited by Labcorp Genetics (formerly Invitae), Labcorp); PubMed 20461111 (cited by Labcorp Genetics (formerly Invitae), Labcorp).

NM_152564.5(VPS13B):c.9009del (p.Ile3003fs)

Gene: VPS13B (vacuolar protein sorting 13 homolog B; plus strand). Cytogenetic location: 8q22.2.
Variant type: Deletion.
Coding change: c.9009del on transcript NM_152564.5 (MANE Select); coding-DNA position 9009, one base deleted (T; older notation c.9009delT).
Protein change: p.Ile3003fs; shifts the reading frame from isoleucine 3003.
Molecular consequence: frameshift variant.
Genome position (GRCh38, 1-based): chr8:99,821,308, T deleted; the last of 2 consecutive T bases (chr8:99,821,307-99,821,308); deleting either gives the same sequence. VCF-style (leftmost placement, unchanged base first): chr8-99821306-AT-A. GRCh37 (hg19) VCF-style: chr8-100833534-AT-A.
Other names: c.9084delT (NM_017890.4); c.9084del, p.Ile3028fs (NM_017890.5); short protein forms I3028fs, I3003fs.
Identifiers: ClinVar variation 370501 (VCV000370501.6), dbSNP rs1057516538, ClinGen allele CA16041258.
Genomic context (GRCh38, chr8:99,821,306, plus strand): 5'-TATCAAAGGTAAGAAAATTACTTTATAATTGAGGCATTATTTTTCCAGGAAGCTTTTCAA[AT>A]TGGAATATACTGGGCAAATACAAACACTGTGCACAAGTCAGTAGCAATTAAACTGGTCCA-3'